The following is an entry in ClinVar:

ClinVar aggregate classification (germline): Uncertain significance (1 of 4 stars; one submission).

Conditions:
Retinitis pigmentosa 26 (RP26). Identifiers: Orphanet 791, MedGen C1842127, MONDO:0012024, OMIM 608380.

Submission:

Myriad Genetics, Inc.
Classification: Uncertain significance for Retinitis pigmentosa 26. Last evaluated: 2025-10-08. Review status: criteria provided, single submitter. Criteria: Myriad Autosomal Dominant, Autosomal Recessive and X-Linked Classification Criteria (2023). Collection method: clinical testing. Allele origin: unknown.
Comment: NM_001030311.2(CERKL):c.607_608delGTinsTC(V203S) is a missense variant classified as a variant of uncertain significance in the context of retinitis pigmentosa, CERKL-related. V203S has not been observed in cases with relevant disease. Relevant functional assessments of this variant are not available in the literature. V203S has not been observed in referenced population frequency databases. In summary, there is insufficient evidence to classify NM_001030311.2(CERKL):c.607_608delGTinsTC(V203S) as pathogenic or benign. Please note: this variant was assessed in the context of healthy population screening.

NM_201548.5(CERKL):c.607_608delinsTC (p.Val203Ser)

Gene: CERKL (CERK like autophagy regulator; minus strand). Cytogenetic location: 2q31.3.
Variant type: Indel.
Coding change: c.607_608delinsTC on transcript NM_201548.5 (MANE Select); coding-DNA positions 607 to 608, GT replaced by TC.
Protein change: p.Val203Ser; replaces valine 203 with serine.
Molecular consequence: missense variant. On other transcripts: non-coding transcript variant (1), intron variant (2).
Genome position (GRCh38, 1-based): chr2:181,573,758-181,573,759, AC replaced by GA on the plus strand (GT replaced by TC on the coding strand, the reverse complement: CERKL is on the minus strand). VCF-style: chr2-181573758-AC-GA. GRCh37 (hg19) VCF-style: chr2-182438485-AC-GA.
Other names: c.607_608delinsTC, p.Val203Ser (NM_001030311.3, NM_001030313.3); c.482-24051_482-24050delinsTC (NM_001030312.3); c.482-7638_482-7637delinsTC (NM_001160277.2); short protein forms V203S.
Identifiers: ClinVar variation 5003792 (VCV005003792.1).